The following is an entry in ClinVar:

NM_000500.9(CYP21A2):c.293-13C>G

Genes: CYP21A2 (cytochrome P450 family 21 subfamily A member 2; plus strand), LOC106780800 (CYP21A2 recombination region; plus strand). Cytogenetic location: 6p21.33.
Variant type: single nucleotide variant.
Coding change: c.293-13C>G on transcript NM_000500.9 (MANE Select); 13 bases into the intron before coding-DNA position 293, C replaced by G.
Molecular consequence: intron variant. On other transcripts: 5 prime UTR variant (2).
Genome position (GRCh38, 1-based): chr6:32,039,081, C>G. VCF-style: chr6-32039081-C-G. GRCh37 (hg19) VCF-style: chr6-32006858-C-G.
Other names: legacy 'I2G' / IVS2-13A/C>G; dbSNP:rs6467; c.-126C>G (NM_001368143.2, NM_001368144.2); c.203-13C>G (NM_001128590.4).
Identifiers: ClinVar variation 12155 (VCV000012155.83), dbSNP rs6467, ClinGen allele CA341185.

ClinVar aggregate classification (germline): Pathogenic/Likely pathogenic. Review status: criteria provided, multiple submitters, no conflicts (2 of 4 stars). 46 submissions from 45 submitters: Pathogenic (36); Likely pathogenic (2). 8 of the submissions do not count toward it. Last evaluated 2026-10-29.

Conditions:
Fetal anomalies with a likely genetic cause.
Classic congenital adrenal hyperplasia due to 21-hydroxylase deficiency. Identifiers: Orphanet 90794, MedGen C4273964, MONDO:0008728.
CYP21A2-related disorder. Also called: CYP21A2-related condition.
Inborn genetic diseases. Identifiers: MedGen C0950123, MeSH D030342.
Congenital adrenal hyperplasia. Identifiers: Orphanet 418, MedGen C0001627, MONDO:0018479, HP:0008258.
21-Hydroxylase-Deficient Congenital Adrenal Hyperplasia. Also called: ADRENAL HYPERPLASIA, CONGENITAL, DUE TO 21-HYDROXYLASE DEFICIENCY; ADRENAL HYPERPLASIA III. Identifiers: MedGen C2936858, OMIM 201910.

Allele frequency attached by ClinVar (database versions not stated): 1000 Genomes Project 0.00100; 1000 Genomes Project 30x 0.00094.

Submissions 1 to 9 of 48:

Department of Molecular Genetics, Istishari Arab Hospital
Classification: Pathogenic for 21-Hydroxylase-Deficient Congenital Adrenal Hyperplasia. Last evaluated: 2026-10-29. Review status: criteria provided, single submitter. Criteria: ACMG Guidelines, 2015. Collection method: clinical testing. Allele origin: germline. Inheritance: Autosomal recessive inheritance. Affected: yes.
Comment: The CYP21A2 c.293-13C>G intronic variant causes aberrant splicing and is a well-established variant that has previously been identified in an affected individual with autosomal recessive Adrenal hyperplasia by Higashi et al., 1988 (PMID: 2845408), Manfras et al., 1993 (PMID: 8365724), Witchel et al., 1996 (PMID: 8741909). It is classified as pathogenic according to the recommendations of ACMG/AMP/ClinGen SVI guidelines.

Broad Center for Mendelian Genomics, Broad Institute of MIT and Harvard
Classification: Pathogenic for Classic congenital adrenal hyperplasia due to 21-hydroxylase deficiency. Last evaluated: 2026-08-12. Review status: criteria provided, single submitter. Criteria: ACMG Guidelines, 2015. Collection method: research. Allele origin: germline. Inheritance: Autosomal recessive inheritance. Study: GREGoR Consortium.
Comment: Trio genome analysis revealed that this variant was in trans with the Pathogenic variant. The c.293-13C>G variant in CYP21A2 has been reported in over 13 individuals with classic congenital adrenal hyperplasia (PMID: 38618509, 17164306, 19420818, 36866166, etc.), and has been identified in 0.04% (113/29162) of Ashkenazi Jewish chromosomes by the Genome Aggregation Database (gnomAD; dbSNP rs6467). Although this variant has been seen in the general population in a heterozygous state, its frequency is not high enough to rule out a pathogenic role. This variant has been reported in ClinVar (Variation ID:12155) and has been interpreted as pathogenic by 31 submitters. Of 13 affected individuals, 5 of those were homozygotes, 2 were compound heterozygotes that carried a pathogenic variant in trans, and 6 were compound heterozygotes that carried a pathogenic/likely pathogenic variant with unknown phase, which increases the likelihood that the c.293-13C>G variant is pathogenic (Variation ID: 12153, 225336, 988339; PMID: 38618509, 17164306, 19420818, 36866166). In vitro functional studies provide evidence that the c.293-13C>G variant may impact protein function (PMID: 2845408). However, these types of assays may not accurately represent biological function. This variant is located in the 3' splice site. Computational prediction tools and conservation analyses suggest that this variant may impact the protein, though this information is not predictive enough to determine pathogenicity. In summary, this variant meets criteria to be classified as pathogenic for autosomal recessive classic congenital adrenal hyperplasia due to 21-hydroxylase deficiency. ACMG/AMP Criteria applied: PM3_very-strong, PS3_moderate, PP3 (Richards 2015).

Department of Medical Genetics, Ordu University Medical School Training and Research Hospital
Classification: Pathogenic for 21-Hydroxylase-Deficient Congenital Adrenal Hyperplasia. Last evaluated: 2026-07-18. Review status: criteria provided, single submitter. Criteria: ACMG Guidelines, 2015. Collection method: research. Allele origin: germline. Inheritance: Autosomal recessive inheritance. Affected: yes. Observed: 9 variant alleles, 9 heterozygotes.
Comment: This variant (NM_000500.9:c.293-13C>G) is a classic intron 2 splice-affecting allele and is one of the most frequent causes of 21-hydroxylase deficiency worldwide. ACMG/AMP criteria applied: PVS1_Moderate (the variant activates a cryptic splice site and disrupts normal intron 2 splicing, a well-established loss-of-function mechanism for CYP21A2, applied at moderate strength because the canonical dinucleotide is not directly altered), PS3 (published RNA/functional studies confirm aberrant splicing), PM3 (observed in trans with the pathogenic p.Val282Leu allele, proven by parental segregation in one family in this cohort), and PP5 (reported Pathogenic in ClinVar). Combined evidence meets the ACMG 2015 criteria for a Pathogenic classification.

Genetics Laboratory, Great Ormond Street Hospital NHS Foundation Trust, North Thames Genomic Laboratory Hub
Classification: Pathogenic for Fetal anomalies with a likely genetic cause. Last evaluated: 2026-02-06. Review status: criteria provided, single submitter. Criteria: ACGS Best Practice Guidelines for Variant Classification in Rare Disease 2024 v1.2. Collection method: clinical testing. Allele origin: germline. Affected: yes.
Comment: PS4_strong, PS3_strong, PP1_strong, PP4_strong

Victorian Clinical Genetics Services, Murdoch Childrens Research Institute
Classification: Pathogenic for 21-Hydroxylase-Deficient Congenital Adrenal Hyperplasia. Last evaluated: 2026-02-01. Review status: criteria provided, single submitter. Criteria: ACMG Guidelines, 2015. Collection method: clinical testing. Allele origin: germline. Affected: yes.
Comment: This variant is classified as Pathogenic. Evidence in support of pathogenic classification: Splice site variant proven to affect splicing of the transcript with a known effect on protein sequence. RNA studies have shown that this variant results in aberrant splicing which is predicted to cause a frameshift and a premature termination codon (PMID: 2845408); Variant is present in gnomAD <0.01 for a recessive condition (v4: 3838 heterozygote(s), 7 homozygote(s)); This variant has strong previous evidence of pathogenicity in unrelated individuals. This variant has been classified as pathogenic by mulitple clinical laboratories in ClinVar and is very well reported in both compound heterozygous and homozygous states in individuals with congenital adrenal hypoplasia (PMIDs: 35355919, 31586465, 32289882). Additional information: This variant is heterozygous; This gene is associated with autosomal recessive disease; In silico predictions for abnormal splicing are conflicting; Loss of function is a known mechanism of disease in this gene and is associated with congenital adrenal hyperplasia, due to 21-hydroxylase deficiency (MIM#201910), and nonclassic type hyperandrogenism, due to 21-hydroxylase deficiency (MIM#201910).

Labcorp Genetics (formerly Invitae), Labcorp
Classification: Pathogenic. Last evaluated: 2026-01-27. Review status: criteria provided, single submitter. Criteria: Invitae Variant Classification Sherloc (09022015). Collection method: clinical testing. Allele origin: germline.
Comment: This sequence change falls in intron 2 of the CYP21A2 gene. It does not directly change the encoded amino acid sequence of the CYP21A2 protein. The frequency data for this variant in the population databases (gnomAD) is considered unreliable due to the presence of homologous sequence, such as pseudogenes or paralogs, in the genome. This variant has been observed in individual(s) with classic salt-wasting, simple virilizing, and non-classic congenital adrenal hyperplasia due to 21-hydroxylase deficiency (PMID: 20080860, 30995443). In at least one individual the data is consistent with being in trans (on the opposite chromosome) from a pathogenic variant. This variant is also known as IVS2-13A/C>G, I2G, c.293-13A/C>G, In2G. ClinVar contains an entry for this variant (Variation ID: 12155). Algorithms developed to predict the effect of sequence changes on RNA splicing suggest that this variant may disrupt the consensus splice site. For these reasons, this variant has been classified as Pathogenic.

Medical and Scientific Branch, Hong Kong Genome Institute
Classification: Pathogenic for 21-Hydroxylase-Deficient Congenital Adrenal Hyperplasia. Last evaluated: 2026-01-26. Review status: criteria provided, single submitter. Criteria: ACMG Guidelines, 2015. Collection method: clinical testing. Allele origin: unknown. Affected: yes.

3billion
Classification: Pathogenic for 21-Hydroxylase-Deficient Congenital Adrenal Hyperplasia. Last evaluated: 2025-12-12. Review status: criteria provided, single submitter. Criteria: ACMG Guidelines, 2015. Collection method: clinical testing. Allele origin: germline. Affected: yes.
Comment: The variant is observed at an extremely low frequency in the gnomAD v4.1.0 dataset (total allele frequency: 0.242%). Predicted Consequence/Location: Intron variant In silico tools predict the variant to alter splicing and produce an abnormal transcript [SpliceAI: 0.76 (>=0.2, moderate evidence for spliceogenicity)]. The variant has been reported to be in trans with a pathogenic variant as either compound heterozygous or homozygous in at least 2 similarly affected unrelated individuals (PMID: 24904866, 25630015, 26206692). The variant has been reported at least twice as pathogenic with clinical assertions and evidence for the classification (ClinVar ID: VCV000012155 /PMID: 2845408 /3billion dataset). Therefore, this variant is classified as Pathogenic according to the recommendation of ACMG/AMP guideline.

Clinical Genetics Laboratory, University Hospital Schleswig-Holstein
Classification: Pathogenic for 21-Hydroxylase-Deficient Congenital Adrenal Hyperplasia. Last evaluated: 2025-10-24. Review status: criteria provided, single submitter. Criteria: ACMG Guidelines, 2015. Collection method: clinical testing. Allele origin: germline. Affected: yes. Observed: 1 homozygote.
Comment: ACMG criteria applied: PM3_VeryStrong, PS3_Moderate